The following is an entry in ClinVar:

NM_152594.3(SPRED1):c.675C>T (p.Ser225=)

Gene: SPRED1 (sprouty related EVH1 domain containing 1; plus strand). Cytogenetic location: 15q14.
Variant type: single nucleotide variant.
Coding change: c.675C>T on transcript NM_152594.3 (MANE Select); coding-DNA position 675, C replaced by T.
Protein change: p.Ser225=; no amino-acid change (serine 225 retained).
Molecular consequence: synonymous variant.
Genome position (GRCh38, 1-based): chr15:38,349,514, C>T. VCF-style: chr15-38349514-C-T. GRCh37 (hg19) VCF-style: chr15-38641715-C-T.
Identifiers: ClinVar variation 47970 (VCV000047970.58), dbSNP rs144764225, ClinGen allele CA142281.

ClinVar aggregate classification (germline): Benign/Likely benign. Review status: criteria provided, multiple submitters, no conflicts (2 of 4 stars). 17 submissions from 17 submitters: Benign (8); Likely benign (4). 5 of the submissions do not count toward it. Last evaluated 2026-06-01.

Conditions:
Noonan syndrome and Noonan-related syndrome. Identifiers: Orphanet 98733, MedGen C5681679, MONDO:0020297.
SPRED1-related disorder. Also called: SPRED1-related condition.
Cardiovascular phenotype. Identifiers: MedGen CN230736.
Legius syndrome. Identifiers: Orphanet 137605, MedGen C1969623, MONDO:0012669, OMIM 611431. Disease mechanism: loss of function.

Allele frequency attached by ClinVar (database versions not stated): ESP Exome Variant Server 0.00085; TOPMed 0.00085; gnomAD 0.00092; 1000 Genomes Project 30x 0.00125; 1000 Genomes Project 0.00140.
gnomAD v4.1: 1,730 of 1,606,344 alleles (0.11%); highest among the groups gnomAD compares: Middle Eastern, 0.84%; 2 homozygotes.

Submissions (17):

CeGaT Center for Human Genetics Tuebingen
Classification: Likely benign. Last evaluated: 2026-06-01. Review status: criteria provided, single submitter. Criteria: CeGaT Center For Human Genetics Tuebingen Variant Classification Criteria Version 2. Collection method: clinical testing. Allele origin: germline. Affected: yes. Observed: 15 variant alleles.
Comment: SPRED1: BP4, BS1

Labcorp Genetics (formerly Invitae), Labcorp
Classification: Benign for Legius syndrome. Last evaluated: 2026-02-03. Review status: criteria provided, single submitter. Criteria: Invitae Variant Classification Sherloc (09022015). Collection method: clinical testing. Allele origin: germline.

Blueprint Genetics
Classification: Likely benign. Last evaluated: 2024-11-27. Review status: criteria provided, single submitter. Criteria: ACMG Guidelines, 2015. Collection method: clinical testing. Allele origin: germline.

ARUP Laboratories, Molecular Genetics and Genomics, ARUP Laboratories
Classification: Benign for Legius syndrome. Last evaluated: 2023-08-23. Review status: criteria provided, single submitter. Criteria: ARUP Molecular Germline Variant Investigation Process 2024. Collection method: clinical testing. Allele origin: germline.

KCCC/NGS Laboratory, Kuwait Cancer Control Center
Classification: Benign for Legius syndrome. Last evaluated: 2023-07-07. Review status: criteria provided, single submitter. Criteria: ACMG Guidelines, 2015. Collection method: clinical testing. Allele origin: germline. Affected: yes.

Genome Diagnostics Laboratory, The Hospital for Sick Children
Classification: Benign for Noonan syndrome and Noonan-related syndrome. Last evaluated: 2021-05-13. Review status: criteria provided, single submitter. Criteria: ACMG Guidelines, 2015. Collection method: clinical testing. Allele origin: germline.

Illumina Laboratory Services, Illumina
Classification: Likely benign for Legius syndrome. Last evaluated: 2017-04-27. Review status: criteria provided, single submitter. Criteria: ICSL Variant Classification Criteria 13 December 2019. Collection method: clinical testing. Allele origin: germline.
Comment: This variant was observed as part of a predisposition screen in an ostensibly healthy population. A literature search was performed for the gene, cDNA change, and amino acid change (where applicable). No publications were found based on this search. Allele frequency data from public databases allowed determination this variant is unlikely to cause disease. Therefore, this variant is classified as likely benign.

Women's Health and Genetics/Laboratory Corporation of America, LabCorp
Classification: Benign. Last evaluated: 2017-04-17. Review status: criteria provided, single submitter. Criteria: LabCorp Variant Classification Summary - May 2015. Collection method: clinical testing. Allele origin: germline.
Comment: Variant summary: The SPRED1 c.675C>T (p.Ser225Ser) variant involves the alteration of a non-conserved nucleotide, resulting in a synonymous change. 5/5 splice prediction tools predict no significant impact on normal splicing. This variant was found in 124/117138 control chromosomes from ExAC at a frequency of 0.0010586, which is approximately 423 times the estimated maximal expected allele frequency of a pathogenic SPRED1 variant (0.0000025), therefore this variant is likely a benign polymorphism. In addition, multiple clinical diagnostic laboratories/reputable databases have classified this variant as benign. Taken together, this variant is classified as Benign.

GeneDx
Classification: Benign. Last evaluated: 2016-11-23. Review status: criteria provided, single submitter. Criteria: GeneDx Variant Classification (06012015). Collection method: clinical testing. Allele origin: germline. Affected: yes.
Comment: This variant is considered likely benign or benign based on one or more of the following criteria: it is a conservative change, it occurs at a poorly conserved position in the protein, it is predicted to be benign by multiple in silico algorithms, and/or has population frequency not consistent with disease.

Laboratory for Molecular Medicine, Mass General Brigham Personalized Medicine
Classification: Benign. Last evaluated: 2015-10-08. Review status: criteria provided, single submitter. Criteria: LMM Criteria. Collection method: clinical testing. Allele origin: germline. Observed: 11 variant alleles.
Comment: p.Ser225Ser in exon 6 of SPRED1: This variant is not expected to have clinical s ignificance because it has been identified in 0.15% (23/15804) of South Asian ch romosomes and 0.13% (84/64292) of European chromosomes by the Exome Aggregation Consortium (ExAC; dbSNP rs144764225), does not alter an amino acid residue and is not located within the splice consensus seque nce.

Ambry Genetics
Classification: Benign for Cardiovascular phenotype. Last evaluated: 2014-12-24. Review status: criteria provided, single submitter. Criteria: Ambry Variant Classification Scheme 2023. Collection method: clinical testing. Allele origin: germline.

Breakthrough Genomics
Classification: Likely benign. Review status: criteria provided, single submitter. Criteria: ACMG Guidelines, 2015. Collection method: not provided. Allele origin: germline. Inheritance: Autosomal dominant inheritance. Affected: yes.

PreventionGenetics, part of Exact Sciences
Classification: Likely benign for SPRED1-related condition. Last evaluated: 2019-03-01. Review status: no assertion criteria provided. Collection method: clinical testing. Allele origin: germline. Not counted in ClinVar's aggregate classification.
Comment: This variant is classified as likely benign based on ACMG/AMP sequence variant interpretation guidelines (Richards et al. 2015 PMID: 25741868, with internal and published modifications).

Clinical Genetics DNA and cytogenetics Diagnostics Lab, Erasmus MC, Erasmus Medical Center
Classification: Likely benign. Review status: no assertion criteria provided. Collection method: clinical testing. Allele origin: germline. Affected: yes. Study: VKGL Data-share Consensus. Not counted in ClinVar's aggregate classification.

Clinical Genetics, Academic Medical Center
Classification: Benign. Review status: no assertion criteria provided. Collection method: clinical testing. Allele origin: germline. Affected: yes. Study: VKGL Data-share Consensus. Not counted in ClinVar's aggregate classification.

Joint Genome Diagnostic Labs from Nijmegen and Maastricht, Radboudumc and MUMC+
Classification: Likely benign. Review status: no assertion criteria provided. Collection method: clinical testing. Allele origin: germline. Affected: yes. Study: VKGL Data-share Consensus. Not counted in ClinVar's aggregate classification.

Laboratory of Diagnostic Genome Analysis, Leiden University Medical Center (LUMC)
Classification: Benign. Review status: no assertion criteria provided. Collection method: clinical testing. Allele origin: germline. Affected: yes. Study: VKGL Data-share Consensus. Not counted in ClinVar's aggregate classification.